The following is an entry in ClinVar:

ClinVar aggregate classification (germline): Uncertain significance. Review status: criteria provided, multiple submitters, no conflicts (2 of 4 stars). 2 submissions from 2 submitters: Uncertain significance (2). Last evaluated 2025-10-20.

Conditions:
Alport syndrome 3b, autosomal recessive. Identifiers: MedGen C5882699, MONDO:0957811, OMIM 620536.

Allele frequency attached by ClinVar (database versions not stated): TOPMed below 0.00001; gnomAD exomes 0.00001.
gnomAD v4.1: 5 of 1,614,114 alleles (0.00031%); highest among the groups gnomAD compares: Admixed American, 0.0083%; no homozygotes.

Submissions (2):

3billion
Classification: Uncertain significance for Alport syndrome 3b, autosomal recessive. Last evaluated: 2025-10-20. Review status: criteria provided, single submitter. Criteria: ACMG Guidelines, 2015. Collection method: clinical testing. Allele origin: germline. Affected: yes.
Comment: The variant is observed at an extremely low frequency in the gnomAD v4.1.0 dataset (total allele frequency: <0.001%). Predicted Consequence/Location: Missense variant In silico tool predictions suggest damaging effect of the variant on gene or gene product [3Cnet: 0.85 (> 0.75, sensitivity 0.96 and precision 0.92)]. The variant has been reported as of uncertain significance (ClinVar ID: VCV002691653). Therefore, this variant is classified as VUS according to the recommendation of ACMG/AMP guideline.

Women's Health and Genetics/Laboratory Corporation of America, LabCorp
Classification: Uncertain significance. Last evaluated: 2023-12-13. Review status: criteria provided, single submitter. Criteria: LabCorp Variant Classification Summary - May 2015. Collection method: clinical testing. Allele origin: germline.
Comment: Variant summary: COL4A3 c.2714C>T (p.Pro905Leu) results in a non-conservative amino acid change in the encoded protein sequence. Four of five in-silico tools predict a benign effect of the variant on protein function. The variant allele was found at a frequency of 2e-05 in 249500 control chromosomes. The available data on variant occurrences in the general population are insufficient to allow any conclusion about variant significance. To our knowledge, no occurrence of c.2714C>T in individuals affected with Alport Syndrome and no experimental evidence demonstrating its impact on protein function have been reported. No submitters have cited clinical-significance assessments for this variant to ClinVar after 2014. Based on the evidence outlined above, the variant was classified as uncertain significance.

NM_000091.5(COL4A3):c.2714C>T (p.Pro905Leu)

Genes: COL4A3 (collagen type IV alpha 3 chain; plus strand), MFF-DT (MFF divergent transcript; minus strand). Cytogenetic location: 2q36.3.
Variant type: single nucleotide variant.
Coding change: c.2714C>T on transcript NM_000091.5 (MANE Select); coding-DNA position 2714, C replaced by T.
Protein change: p.Pro905Leu; replaces proline 905 with leucine.
Molecular consequence: missense variant.
Genome position (GRCh38, 1-based): chr2:227,283,824, C>T. VCF-style: chr2-227283824-C-T. GRCh37 (hg19) VCF-style: chr2-228148540-C-T.
Other names: short protein forms P905L.
Identifiers: ClinVar variation 2691653 (VCV002691653.2), dbSNP rs1490410896, ClinGen allele CA350851309.
Genomic context (GRCh38, chr2:227,283,824, plus strand): 5'-TAGGTGAAGATGGAGTGATTGGGATGATGGGCTTTCCTGGAGCCATTGGCCCTCCAGGGC[C>T]CCCTGGGAACCCAGGCACACCAGGGCAGAGGGGTAAGTGATAGAGTGTCTTTCTAAATAG-3'
Protein context (NP_000082.2, residues 895-915): GFPGAIGPPG[Pro905Leu]PGNPGTPGQR